The following is an entry in ClinVar:

ClinVar aggregate classification (germline): Uncertain significance (1 of 4 stars; one submission).

gnomAD v4.1: 1 of 1,614,006 alleles (0.000062%); highest among the groups gnomAD compares: Non-Finnish European, 0.000085%; no homozygotes.

Submission:

Labcorp Genetics (formerly Invitae), Labcorp
Classification: Uncertain significance. Last evaluated: 2025-05-25. Review status: criteria provided, single submitter. Criteria: Invitae Variant Classification Sherloc (09022015). Collection method: clinical testing. Allele origin: germline.
Comment: This sequence change replaces serine, which is neutral and polar, with cysteine, which is neutral and slightly polar, at codon 5331 of the HMCN1 protein (p.Ser5331Cys). This variant is not present in population databases (gnomAD no frequency). This variant has not been reported in the literature in individuals affected with HMCN1-related conditions. An algorithm developed to predict the effect of missense changes on protein structure and function (PolyPhen-2) suggests that this variant is likely to be disruptive. In summary, the available evidence is currently insufficient to determine the role of this variant in disease. Therefore, it has been classified as a Variant of Uncertain Significance.

NM_031935.3(HMCN1):c.15992C>G (p.Ser5331Cys)

Gene: HMCN1 (hemicentin 1; plus strand). Cytogenetic location: 1q31.1.
Variant type: single nucleotide variant.
Coding change: c.15992C>G on transcript NM_031935.3 (MANE Select); coding-DNA position 15992, C replaced by G.
Protein change: p.Ser5331Cys; replaces serine 5331 with cysteine.
Molecular consequence: missense variant.
Genome position (GRCh38, 1-based): chr1:186,178,464, C>G. VCF-style: chr1-186178464-C-G. GRCh37 (hg19) VCF-style: chr1-186147596-C-G.
Other names: short protein forms S5331C.
Identifiers: ClinVar variation 4720201 (VCV004720201.1).